The following is an entry in ClinVar:

ClinVar aggregate classification (germline): Uncertain significance (1 of 4 stars; one submission).

Conditions:
Autosomal dominant childhood-onset proximal spinal muscular atrophy with contractures (SMALED2A). Also called: Spinal muscular atrophy, lower extremity-predominant, 2A, autosomal dominant; SPINAL MUSCULAR ATROPHY, LOWER EXTREMITY-PREDOMINANT, 2A, CHILDHOOD ONSET, AUTOSOMAL DOMINANT. Identifiers: Orphanet 363447, Orphanet 363454, MedGen C4747715, MONDO:0014121, OMIM 615290.

Submission:

Labcorp Genetics (formerly Invitae), Labcorp
Classification: Uncertain significance for Autosomal dominant childhood-onset proximal spinal muscular atrophy with contractures. Last evaluated: 2023-09-06. Review status: criteria provided, single submitter. Criteria: Invitae Variant Classification Sherloc (09022015). Collection method: clinical testing. Allele origin: germline.
Comment: This sequence change replaces glutamic acid, which is acidic and polar, with lysine, which is basic and polar, at codon 385 of the BICD2 protein (p.Glu385Lys). This variant is not present in population databases (gnomAD no frequency). This variant has not been reported in the literature in individuals affected with BICD2-related conditions. Advanced modeling of protein sequence and biophysical properties (such as structural, functional, and spatial information, amino acid conservation, physicochemical variation, residue mobility, and thermodynamic stability) performed at Invitae indicates that this missense variant is not expected to disrupt BICD2 protein function. In summary, the available evidence is currently insufficient to determine the role of this variant in disease. Therefore, it has been classified as a Variant of Uncertain Significance.

NM_001003800.2(BICD2):c.1153G>A (p.Glu385Lys)

Gene: BICD2 (BICD cargo adaptor 2; minus strand). Cytogenetic location: 9q22.31.
Variant type: single nucleotide variant.
Coding change: c.1153G>A on transcript NM_001003800.2 (MANE Select); coding-DNA position 1153, G replaced by A.
Protein change: p.Glu385Lys; replaces glutamic acid 385 with lysine.
Molecular consequence: missense variant.
Genome position (GRCh38, 1-based): chr9:92,719,492, C>T on the plus strand (G>A on the coding strand, the complement: BICD2 is on the minus strand). VCF-style: chr9-92719492-C-T. GRCh37 (hg19) VCF-style: chr9-95481774-C-T.
Other names: c.1153G>A, p.Glu385Lys (NM_015250.4); short protein forms E385K.
Identifiers: ClinVar variation 2843898 (VCV002843898.3), dbSNP rs2490447916, ClinGen allele CA374040287.